The following is an entry in ClinVar:

ClinVar aggregate classification (germline): Pathogenic (0 of 4 stars; one submission).

Conditions:
Non-immune hydrops fetalis (NIHF). Also called: Fetal edema; Idiopathic hydrops fetalis; Familial non-immune hydrops fetalis. Identifiers: Orphanet 363999, MedGen C0455988, MONDO:0009369, OMIM 236750, HP:0001790.
Sialidosis type 2. Also called: LIPOMUCOPOLYSACCHARIDOSIS; NEURAMINIDASE DEFICIENCY; ML I; NEU DEFICIENCY; NEUG DEFICIENCY; NEURAMINIDASE 1 DEFICIENCY. Identifiers: Orphanet 812, Orphanet 87876, MedGen C4282398, MONDO:0009738, OMIM 256550.

gnomAD v4.1: 13 of 1,612,930 alleles (0.00081%); highest among the groups gnomAD compares: African/African-American, 0.0013%; no homozygotes.

Submission:

Genomic Medicine Lab, University of Southampton
Classification: Pathogenic for Nonimmune hydrops fetalis; Sialidiosis. Last evaluated: 2014-06-22. Review status: no assertion criteria provided. Collection method: clinical testing. Allele origin: germline. Affected: yes.
Comment: The gain of stop codon mutation at (Chr6: 31,827,574- 31,827,574), interferes the full length production of neuraminidase 1 and essentially hampers the functionality of the final product.

NM_000434.4(NEU1):c.1170C>G (p.Tyr390Ter)

Gene: NEU1 (neuraminidase 1; minus strand). Cytogenetic location: 6p21.33.
Variant type: single nucleotide variant.
Coding change: c.1170C>G on transcript NM_000434.4 (MANE Select); coding-DNA position 1170, C replaced by G.
Protein change: p.Tyr390Ter; replaces tyrosine 390 with a stop codon.
Molecular consequence: nonsense.
Genome position (GRCh38, 1-based): chr6:31,859,797, G>C on the plus strand (C>G on the coding strand, the complement: NEU1 is on the minus strand). VCF-style: chr6-31859797-G-C. GRCh37 (hg19) VCF-style: chr6-31827574-G-C.
Other names: short protein forms Y390*.
Identifiers: ClinVar variation 218332 (VCV000218332.2), dbSNP rs746607723, ClinGen allele CA212720.